The following is an entry in ClinVar:

NM_006019.4(TCIRG1):c.2302G>C (p.Val768Leu)

Gene: TCIRG1 (T cell immune regulator 1, ATPase H+ transporting V0 subunit a3; plus strand). Cytogenetic location: 11q13.2.
Variant type: single nucleotide variant.
Coding change: c.2302G>C on transcript NM_006019.4 (MANE Select); coding-DNA position 2302, G replaced by C.
Protein change: p.Val768Leu; replaces valine 768 with leucine.
Molecular consequence: missense variant.
Genome position (GRCh38, 1-based): chr11:68,050,552, G>C. VCF-style: chr11-68050552-G-C. GRCh37 (hg19) VCF-style: chr11-67818019-G-C.
Other names: c.1408G>C, p.Val470Leu (NM_001351059.2); c.1654G>C, p.Val552Leu (NM_006053.4); short protein forms V552L, V768L, V470L.
Identifiers: ClinVar variation 1983300 (VCV001983300.3), dbSNP rs749982899, ClinGen allele CA381591453.

ClinVar aggregate classification (germline): Uncertain significance (1 of 4 stars; one submission).

Submission:

Labcorp Genetics (formerly Invitae), Labcorp
Classification: Uncertain significance. Last evaluated: 2024-03-18. Review status: criteria provided, single submitter. Criteria: Invitae Variant Classification Sherloc (09022015). Collection method: clinical testing. Allele origin: germline.
Comment: This sequence change replaces valine, which is neutral and non-polar, with leucine, which is neutral and non-polar, at codon 768 of the TCIRG1 protein (p.Val768Leu). This variant is not present in population databases (gnomAD no frequency). This variant has not been reported in the literature in individuals affected with TCIRG1-related conditions. ClinVar contains an entry for this variant (Variation ID: 1983300). An algorithm developed to predict the effect of missense changes on protein structure and function (PolyPhen-2) suggests that this variant is likely to be tolerated. In summary, the available evidence is currently insufficient to determine the role of this variant in disease. Therefore, it has been classified as a Variant of Uncertain Significance.